The following is an entry in ClinVar:

ClinVar aggregate classification (germline): Benign/Likely benign. Review status: criteria provided, multiple submitters, no conflicts (2 of 4 stars). 2 submissions from 2 submitters: Benign (1); Likely benign (1). Last evaluated 2024-09-10.

Conditions:
Familial cancer of breast. Also called: Hereditary breast cancer; BREAST CANCER, FAMILIAL; hereditary breast carcinoma. Identifiers: Orphanet 227535, MedGen C0346153, MONDO:0016419, OMIM 114480. Disease mechanism: loss of function.
Fanconi anemia complementation group J. Also called: BRIP1-Related Fanconi Anemia. Identifiers: Orphanet 84, MedGen C1836860, MONDO:0012187, OMIM 609054.

Allele frequency attached by ClinVar (database versions not stated): gnomAD exomes below 0.00001; ExAC 0.00001.

Submissions (2):

Myriad Genetics, Inc.
Classification: Benign for Familial cancer of breast. Last evaluated: 2024-09-10. Review status: criteria provided, single submitter. Criteria: Myriad Autosomal Dominant, Autosomal Recessive and X-Linked Classification Criteria (2023). Collection method: clinical testing. Allele origin: unknown.
Comment: This variant is considered benign. This variant is a silent/synonymous amino acid change and it is not expected to impact splicing.

Labcorp Genetics (formerly Invitae), Labcorp
Classification: Likely benign for Familial cancer of breast; Fanconi anemia complementation group J. Last evaluated: 2022-09-23. Review status: criteria provided, single submitter. Criteria: Invitae Variant Classification Sherloc (09022015). Collection method: clinical testing. Allele origin: germline.

NM_032043.3(BRIP1):c.3480C>T (p.Asn1160=)

Gene: BRIP1 (BRCA1 interacting DNA helicase 1; minus strand). Cytogenetic location: 17q23.2.
Variant type: single nucleotide variant.
Coding change: c.3480C>T on transcript NM_032043.3 (MANE Select); coding-DNA position 3480, C replaced by T.
Protein change: p.Asn1160=; no amino-acid change (asparagine 1160 retained).
Molecular consequence: synonymous variant.
Genome position (GRCh38, 1-based): chr17:61,683,566, G>A on the plus strand (C>T on the coding strand, the complement: BRIP1 is on the minus strand). VCF-style: chr17-61683566-G-A. GRCh37 (hg19) VCF-style: chr17-59760927-G-A.
Identifiers: ClinVar variation 1139487 (VCV001139487.11), dbSNP rs746898528, ClinGen allele CA8690358.